The following is an entry in ClinVar:

ClinVar aggregate classification (germline): Likely benign. Review status: criteria provided, multiple submitters, no conflicts (2 of 4 stars). 5 submissions from 5 submitters: Likely benign (5). Last evaluated 2026-06-16.

Conditions:
FCHO1-related disorder. Also called: FCHO1-related condition.

Allele frequency attached by ClinVar (database versions not stated): TOPMed 0.00115; gnomAD 0.00126 and 0.00115; ExAC 0.00128; gnomAD exomes 0.00133 and 0.00192; 1000 Genomes Project 30x 0.00078; 1000 Genomes Project 0.00100; ESP Exome Variant Server 0.00108.

Submissions (5):

PreventionGenetics, part of Exact Sciences
Classification: Likely benign for FCHO1-related condition. Last evaluated: 2026-06-16. Review status: criteria provided, single submitter. Criteria: ACMG Guidelines, 2015. Collection method: clinical testing. Allele origin: germline.
Comment: This variant is classified as likely benign based on ACMG/AMP sequence variant interpretation guidelines (Richards et al. 2015 PMID: 25741868, with internal and published modifications).

Labcorp Genetics (formerly Invitae), Labcorp
Classification: Likely benign. Last evaluated: 2026-01-28. Review status: criteria provided, single submitter. Criteria: Invitae Variant Classification Sherloc (09022015). Collection method: clinical testing. Allele origin: germline.

Mayo Clinic Laboratories, Mayo Clinic
Classification: Likely benign. Last evaluated: 2025-09-23. Review status: criteria provided, single submitter. Criteria: ACMG Guidelines, 2015. Collection method: clinical testing. Allele origin: germline. Observed: 1 variant allele.
Comment: BS1, BP4_moderate

Blueprint Genetics
Classification: Likely benign. Last evaluated: 2024-11-26. Review status: criteria provided, single submitter. Criteria: ACMG Guidelines, 2015. Collection method: clinical testing. Allele origin: germline.

CeGaT Center for Human Genetics Tuebingen
Classification: Likely benign. Last evaluated: 2022-05-01. Review status: criteria provided, single submitter. Criteria: CeGaT Center For Human Genetics Tuebingen Variant Classification Criteria Version 2. Collection method: clinical testing. Allele origin: germline. Affected: yes. Observed: 1 variant allele.
Comment: FCHO1: BP4

NM_015122.3(FCHO1):c.2323C>T (p.Arg775Trp)

Gene: FCHO1 (FCH and mu domain containing endocytic adaptor 1; plus strand). Cytogenetic location: 19p13.11.
Variant type: single nucleotide variant.
Coding change: c.2323C>T on transcript NM_015122.3 (MANE Select); coding-DNA position 2323, C replaced by T.
Protein change: p.Arg775Trp; replaces arginine 775 with tryptophan.
Molecular consequence: missense variant. On other transcripts: non-coding transcript variant (35), intron variant (5).
Genome position (GRCh38, 1-based): chr19:17,784,821, C>T. VCF-style: chr19-17784821-C-T. GRCh37 (hg19) VCF-style: chr19-17895630-C-T.
Other names: p.Arg775Trp; c.2323C>T, p.Arg775Trp (NM_001384376.1, NM_001384377.1, NM_001384378.1 and 11 more transcripts); c.1950+586C>T (NM_001384404.1); c.1800+586C>T (NM_001384406.1); c.1523+1649C>T (NM_001384407.1); c.2226+586C>T (NM_001384391.1); c.2054+1649C>T (NM_001384405.1); c.2047C>T, p.Arg683Trp (NM_001384399.1, NM_001384400.1, NM_001384401.1 and 4 more transcripts); and 7 more; short protein forms R668W, R683W, R725W, R736W, R750W, R762W, R768W, R775W.
Identifiers: ClinVar variation 1154597 (VCV001154597.42), dbSNP rs138123386, ClinGen allele CA9300834.